The following is an entry in ClinVar:

ClinVar aggregate classification (germline): Benign/Likely benign. Review status: criteria provided, multiple submitters, no conflicts (2 of 4 stars). 3 submissions from 3 submitters: Benign (1); Likely benign (2). Last evaluated 2026-06-17.

Conditions:
Hereditary cancer-predisposing syndrome. Also called: Neoplastic Syndromes, Hereditary; Hereditary Cancer Syndrome; Hereditary neoplastic syndrome; Tumor predisposition. Identifiers: Orphanet 140162, MedGen C0027672, MeSH D009386, MONDO:0015356.
Polyps, multiple and recurrent inflammatory fibroid, gastrointestinal. Identifiers: MedGen C5193005, MONDO:0008285, OMIM 175510.
Gastrointestinal stromal tumor. Also called: Gastrointestinal stroma tumor; Gastrointestinal stromal tumor, somatic. Identifiers: Orphanet 44890, MedGen C0238198, MeSH D046152, MONDO:0011719, OMIM 606764, HP:0100723.

Submissions (3):

Myriad Genetics, Inc.
Classification: Benign for Polyps, multiple and recurrent inflammatory fibroid, gastrointestinal. Last evaluated: 2026-06-17. Review status: criteria provided, single submitter. Criteria: Myriad Autosomal Dominant, Autosomal Recessive and X-Linked Classification Criteria (2023). Collection method: clinical testing. Allele origin: unknown.
Comment: This variant is considered benign. This variant is a silent/synonymous amino acid change and it is not expected to impact splicing.

Labcorp Genetics (formerly Invitae), Labcorp
Classification: Likely benign for Gastrointestinal stromal tumor. Last evaluated: 2025-04-08. Review status: criteria provided, single submitter. Criteria: Invitae Variant Classification Sherloc (09022015). Collection method: clinical testing. Allele origin: germline.

Ambry Genetics
Classification: Likely benign for Hereditary cancer-predisposing syndrome. Last evaluated: 2024-12-20. Review status: criteria provided, single submitter. Criteria: Ambry Variant Classification Scheme 2023. Collection method: clinical testing. Allele origin: germline.

NM_006206.6(PDGFRA):c.1791G>A (p.Arg597=)

Gene: PDGFRA (platelet derived growth factor receptor alpha; plus strand). Cytogenetic location: 4q12.
Variant type: single nucleotide variant.
Coding change: c.1791G>A on transcript NM_006206.6 (MANE Select); coding-DNA position 1791, G replaced by A.
Protein change: p.Arg597=; no amino-acid change (arginine 597 retained).
Molecular consequence: synonymous variant.
Genome position (GRCh38, 1-based): chr4:54,277,392, G>A. VCF-style: chr4-54277392-G-A. GRCh37 (hg19) VCF-style: chr4-55143559-G-A.
Other names: c.1791G>A (NM_006206.4); c.1791G>A, p.Arg597= (NM_001347827.2, NM_001347829.2); c.1866G>A, p.Arg622= (NM_001347828.2); c.1830G>A, p.Arg610= (NM_001347830.2).
Identifiers: ClinVar variation 1116921 (VCV001116921.11), dbSNP rs184634858, ClinGen allele CA439287245.